The following is an entry in ClinVar:

NM_153717.3(EVC):c.340G>A (p.Ala114Thr)

Gene: EVC (EvC ciliary complex subunit 1; plus strand). Cytogenetic location: 4p16.2.
Variant type: single nucleotide variant.
Coding change: c.340G>A on transcript NM_153717.3 (MANE Select); coding-DNA position 340, G replaced by A.
Protein change: p.Ala114Thr; replaces alanine 114 with threonine.
Molecular consequence: missense variant.
Genome position (GRCh38, 1-based): chr4:5,729,346, G>A. VCF-style: chr4-5729346-G-A. GRCh37 (hg19) VCF-style: chr4-5731073-G-A.
Other names: c.340G>A, p.Ala114Thr (NM_001306090.2, NM_001306092.2); short protein forms A114T.
Identifiers: ClinVar variation 1423285 (VCV001423285.7), dbSNP rs756208272, ClinGen allele CA2835650.
Genomic context (GRCh38, chr4:5,729,346, plus strand): 5'-GTTTGTGTCTTTCCCTCCCAGGAATGTGAGCCGCCTTCCAACAGCAATATCACAGCATTC[G>A]CCCTGAAGGCCAAAGTCATCTACCCCATCAATCAGAAGTTCCGGGTGAGAGTCCTGAGCT-3'
Protein context (NP_714928.1, residues 104-124): PPSNSNITAF[Ala114Thr]LKAKVIYPIN

ClinVar aggregate classification (germline): Uncertain significance. Review status: criteria provided, multiple submitters, no conflicts (2 of 4 stars). 2 submissions from 2 submitters: Uncertain significance (2). Last evaluated 2024-09-14.

Conditions:
Curry-Hall syndrome (WAD). Also called: WEYERS ACRODENTAL DYSOSTOSIS. Identifiers: Orphanet 952, MedGen C0457013, MONDO:0008673, OMIM 193530.
Ellis-van Creveld syndrome (EVC). Also called: Chondroectodermal dysplasia; MESOECTODERMAL DYSPLASIA. Identifiers: Orphanet 289, MedGen C0013903, MONDO:0009162, OMIM 225500.

Allele frequency attached by ClinVar (database versions not stated): gnomAD 0.00001; TOPMed 0.00001.
gnomAD v4.1: 9 of 1,613,862 alleles (0.00056%); highest among the groups gnomAD compares: African/African-American, 0.0027%; no homozygotes.

Submissions (2):

Blueprint Genetics
Classification: Uncertain significance. Last evaluated: 2024-09-14. Review status: criteria provided, single submitter. Criteria: ACMG Guidelines, 2015. Collection method: clinical testing. Allele origin: germline.

Labcorp Genetics (formerly Invitae), Labcorp
Classification: Uncertain significance for Curry-Hall syndrome; Ellis-van Creveld syndrome. Last evaluated: 2022-04-07. Review status: criteria provided, single submitter. Criteria: Invitae Variant Classification Sherloc (09022015). Collection method: clinical testing. Allele origin: germline.
Comment: This sequence change replaces alanine, which is neutral and non-polar, with threonine, which is neutral and polar, at codon 114 of the EVC protein (p.Ala114Thr). This variant is present in population databases (rs756208272, gnomAD 0.005%). This variant has not been reported in the literature in individuals affected with EVC-related conditions. Algorithms developed to predict the effect of missense changes on protein structure and function are either unavailable or do not agree on the potential impact of this missense change (SIFT: "Deleterious"; PolyPhen-2: "Probably Damaging"; Align-GVGD: "Class C0"). In summary, the available evidence is currently insufficient to determine the role of this variant in disease. Therefore, it has been classified as a Variant of Uncertain Significance.